The following is an entry in ClinVar:

ClinVar aggregate classification (germline): Uncertain significance (1 of 4 stars; one submission).

Submission:

GeneDx
Classification: Uncertain significance. Last evaluated: 2023-06-07. Review status: criteria provided, single submitter. Criteria: GeneDx Variant Classification Process June 2021. Collection method: clinical testing. Allele origin: germline. Affected: yes.
Comment: Not observed at significant frequency in large population cohorts (gnomAD); In silico analysis supports that this missense variant has a deleterious effect on protein structure/function; Has not been previously published as pathogenic or benign to our knowledge

NM_000334.4(SCN4A):c.2345T>C (p.Phe782Ser)

Genes: GH-LCR (growth hormone locus control region; plus strand), SCN4A (sodium voltage-gated channel alpha subunit 4; minus strand). Cytogenetic location: 17q23.3.
Variant type: single nucleotide variant.
Coding change: c.2345T>C on transcript NM_000334.4 (MANE Select); coding-DNA position 2345, T replaced by C.
Protein change: p.Phe782Ser; replaces phenylalanine 782 with serine.
Molecular consequence: missense variant.
Genome position (GRCh38, 1-based): chr17:63,957,193, A>G on the plus strand (T>C on the coding strand, the complement: SCN4A is on the minus strand). VCF-style: chr17-63957193-A-G. GRCh37 (hg19) VCF-style: chr17-62034553-A-G.
Other names: short protein forms F782S.
Identifiers: ClinVar variation 3359347 (VCV003359347.1).